The following is an entry in ClinVar:

ClinVar aggregate classification (germline): Pathogenic (1 of 4 stars; one submission).

Conditions:
Sialic acid storage disease, severe infantile type (ISSD). Also called: N-ACETYLNEURAMINIC ACID STORAGE DISEASE; NANA STORAGE DISEASE; INFANTILE SIALIC ACID STORAGE DISORDER; SIALURIA, INFANTILE FORM; Infantile Sialic Acid Storage Disease; Free sialic acid storage disease, infantile form. Identifiers: Orphanet 309324, Orphanet 834, MedGen C1096902, MONDO:0010027, OMIM 269920.

Submission:

Myriad Genetics, Inc.
Classification: Pathogenic for Sialic acid storage disease, severe infantile type. Last evaluated: 2024-12-10. Review status: criteria provided, single submitter. Criteria: Myriad Autosomal Dominant, Autosomal Recessive and X-Linked Classification Criteria (2023). Collection method: clinical testing. Allele origin: unknown.
Comment: NM_012434.4(SLC17A5):c.88delG(E30Kfs*13) is expected to be pathogenic in the context of free sialic acid storage disorders. This variant is predicted to lead to an abnormal or absent protein product due to the creation of a premature termination codon in SLC17A5, a gene where loss-of-function variants are known to be pathogenic. Please note: this variant was assessed in the context of healthy population screening.

NM_012434.5(SLC17A5):c.88del (p.Glu30fs)

Genes: SLC17A5 (solute carrier family 17 member 5; minus strand), LOC129996727 (ATAC-STARR-seq lymphoblastoid silent region 17338; plus strand). Cytogenetic location: 6q13.
Variant type: Deletion.
Coding change: c.88del on transcript NM_012434.5 (MANE Select); coding-DNA position 88, one base deleted (G; older notation c.88delG).
Protein change: p.Glu30fs; shifts the reading frame from glutamic acid 30.
Molecular consequence: frameshift variant.
Genome position (GRCh38, 1-based): chr6:73,653,799, C deleted on the plus strand (G on the coding strand, the reverse complement: SLC17A5 is on the minus strand). VCF-style (leftmost placement, unchanged base first): chr6-73653798-TC-T. GRCh37 (hg19) VCF-style: chr6-74363521-TC-T.
Other names: c.54del, p.Lys19fs (NM_001382629.1, NM_001382636.1); c.88del, p.Glu30fs (NM_001382630.1, NM_001382631.1, NM_001382632.1 and 3 more transcripts); short protein forms E30fs, K19fs.
Identifiers: ClinVar variation 5013846 (VCV005013846.1).
Genomic context (GRCh38, chr6:73,653,798, plus strand): 5'-CGCCGCCCCCGGTACCGCTGCCCACTCGAAGCCCCTGGACGACCCCGCCGCTTACCGGCT[TC>T]GGCCCGTGGGGCGCCCGGTAGAAGAGGCGTGCGGTCCGTGCTCTCCTCGCCATCGTTCCG-3'